The following is an entry in ClinVar:

NM_025114.4(CEP290):c.1825-788C>T

Gene: CEP290 (centrosomal protein 290; minus strand). Cytogenetic location: 12q21.32.
Variant type: single nucleotide variant.
Coding change: c.1825-788C>T on transcript NM_025114.4 (MANE Select); 788 bases into the intron before coding-DNA position 1825, C replaced by T.
Molecular consequence: intron variant.
Genome position (GRCh38, 1-based): chr12:88,115,970, G>A on the plus strand (C>T on the coding strand, the complement: CEP290 is on the minus strand). VCF-style: chr12-88115970-G-A. GRCh37 (hg19) VCF-style: chr12-88509747-G-A.
Identifiers: ClinVar variation 3772012 (VCV003772012.13).

ClinVar aggregate classification (germline): Likely benign (1 of 4 stars; one submission).

gnomAD v4.1: 1 of 984,414 alleles (0.0001%); highest among the groups gnomAD compares: Non-Finnish European, 0.00012%; no homozygotes.

Submission:

CeGaT Center for Human Genetics Tuebingen
Classification: Likely benign. Last evaluated: 2024-12-01. Review status: criteria provided, single submitter. Criteria: CeGaT Center For Human Genetics Tuebingen Variant Classification Criteria Version 2. Collection method: clinical testing. Allele origin: germline. Affected: yes. Observed: 1 variant allele.
Comment: CEP290: BP4, BP7